The following is an entry in ClinVar:

NM_006502.3(POLH):c.1019G>A (p.Trp340Ter)

Gene: POLH (DNA polymerase eta; plus strand). Cytogenetic location: 6p21.1.
Variant type: single nucleotide variant.
Coding change: c.1019G>A on transcript NM_006502.3 (MANE Select); coding-DNA position 1019, G replaced by A.
Protein change: p.Trp340Ter; replaces tryptophan 340 with a stop codon.
Molecular consequence: nonsense.
Genome position (GRCh38, 1-based): chr6:43,605,264, G>A. VCF-style: chr6-43605264-G-A. GRCh37 (hg19) VCF-style: chr6-43573001-G-A.
Other names: c.647G>A, p.Trp216Ter (NM_001291969.2); c.1019G>A, p.Trp340Ter (NM_001291970.2); short protein forms W216*, W340*.
Identifiers: ClinVar variation 2704821 (VCV002704821.3), dbSNP rs2532473543, ClinGen allele CA364260023.

ClinVar aggregate classification (germline): Pathogenic (1 of 4 stars; one submission).

Submission:

Labcorp Genetics (formerly Invitae), Labcorp
Classification: Pathogenic. Last evaluated: 2023-12-22. Review status: criteria provided, single submitter. Criteria: Invitae Variant Classification Sherloc (09022015). Collection method: clinical testing. Allele origin: germline.
Comment: This sequence change creates a premature translational stop signal (p.Trp340*) in the POLH gene. It is expected to result in an absent or disrupted protein product. Loss-of-function variants in POLH are known to be pathogenic (PMID: 11773631, 24130121, 25256075). This variant is not present in population databases (gnomAD no frequency). This variant has not been reported in the literature in individuals affected with POLH-related conditions. Algorithms developed to predict the effect of sequence changes on RNA splicing suggest that this variant may disrupt the consensus splice site. For these reasons, this variant has been classified as Pathogenic.

Literature cited by the submitters: PubMed 11773631; PubMed 24130121; PubMed 25256075.